The following is an entry in ClinVar:

ClinVar aggregate classification (germline): Uncertain significance (1 of 4 stars; one submission).

Allele frequency attached by ClinVar (database versions not stated): gnomAD exomes below 0.00001.
gnomAD v4.1: 2 of 1,612,136 alleles (0.00012%); highest among the groups gnomAD compares: East Asian, 0.0022%; no homozygotes.

Submission:

Labcorp Genetics (formerly Invitae), Labcorp
Classification: Uncertain significance. Last evaluated: 2022-04-01. Review status: criteria provided, single submitter. Criteria: Invitae Variant Classification Sherloc (09022015). Collection method: clinical testing. Allele origin: germline.
Comment: In summary, the available evidence is currently insufficient to determine the role of this variant in disease. Therefore, it has been classified as a Variant of Uncertain Significance. This variant is present in population databases (no rsID available, gnomAD 0.003%). Algorithms developed to predict the effect of missense changes on protein structure and function are either unavailable or do not agree on the potential impact of this missense change (SIFT: "Deleterious"; PolyPhen-2: "Benign"; Align-GVGD: "Class C0"). This variant has not been reported in the literature in individuals affected with CDT1-related conditions. This sequence change replaces alanine, which is neutral and non-polar, with valine, which is neutral and non-polar, at codon 428 of the CDT1 protein (p.Ala428Val).

NM_030928.4(CDT1):c.1283C>T (p.Ala428Val)

Gene: CDT1 (chromatin licensing and DNA replication factor 1; plus strand). Cytogenetic location: 16q24.3.
Variant type: single nucleotide variant.
Coding change: c.1283C>T on transcript NM_030928.4 (MANE Select); coding-DNA position 1283, C replaced by T.
Protein change: p.Ala428Val; replaces alanine 428 with valine.
Molecular consequence: missense variant.
Genome position (GRCh38, 1-based): chr16:88,807,288, C>T. VCF-style: chr16-88807288-C-T. GRCh37 (hg19) VCF-style: chr16-88873696-C-T.
Other names: short protein forms A428V.
Identifiers: ClinVar variation 1976962 (VCV001976962.5), dbSNP rs1359772760, ClinGen allele CA397081840.